The following is an entry in ClinVar:

NM_001042432.2(CLN3):c.1198-14C>G

Gene: CLN3 (CLN3 lysosomal/endosomal transmembrane protein, battenin; minus strand). Cytogenetic location: 16p12.1.
Variant type: single nucleotide variant.
Coding change: c.1198-14C>G on transcript NM_001042432.2 (MANE Select); 14 bases into the intron before coding-DNA position 1198, C replaced by G.
Molecular consequence: intron variant.
Genome position (GRCh38, 1-based): chr16:28,477,649, G>C on the plus strand (C>G on the coding strand, the complement: CLN3 is on the minus strand). VCF-style: chr16-28477649-G-C. GRCh37 (hg19) VCF-style: chr16-28488970-G-C.
Other names: c.964-14C>G (NM_001286109.2); c.1126-14C>G (NM_001286104.2); c.898-14C>G (NM_001286105.2); c.1036-14C>G (NM_001286110.2); c.1198-14C>G (NM_000086.2).
Identifiers: ClinVar variation 515236 (VCV000515236.8), dbSNP rs757911107, ClinGen allele CA7980648.

ClinVar aggregate classification (germline): Likely benign. Review status: criteria provided, multiple submitters, no conflicts (2 of 4 stars). 2 submissions from 2 submitters: Likely benign (2). Last evaluated 2026-01-19.

Conditions:
Neuronal ceroid lipofuscinosis. Also called: Neuronal Ceroid Lipofuscinoses. Identifiers: Orphanet 216, Orphanet 79263, MedGen C0027877, MONDO:0016295. Disease mechanism: loss of function.

Allele frequency attached by ClinVar (database versions not stated): gnomAD 0.00001; ExAC 0.00002; gnomAD exomes 0.00002; TOPMed 0.00002.
gnomAD v4.1: 5 of 1,613,900 alleles (0.00031%); highest among the groups gnomAD compares: Admixed American, 0.0067%; no homozygotes.

Submissions (2):

Labcorp Genetics (formerly Invitae), Labcorp
Classification: Likely benign for Neuronal ceroid lipofuscinosis. Last evaluated: 2026-01-19. Review status: criteria provided, single submitter. Criteria: Invitae Variant Classification Sherloc (09022015). Collection method: clinical testing. Allele origin: germline.

GeneDx
Classification: Likely benign. Last evaluated: 2018-02-05. Review status: criteria provided, single submitter. Criteria: GeneDx Variant Classification (06012015). Collection method: clinical testing. Allele origin: germline. Affected: yes.
Comment: This variant is considered likely benign or benign based on one or more of the following criteria: it is a conservative change, it occurs at a poorly conserved position in the protein, it is predicted to be benign by multiple in silico algorithms, and/or has population frequency not consistent with disease.